The following is an entry in ClinVar:

NM_138576.4(BCL11B):c.1711G>A (p.Gly571Ser)

Gene: BCL11B (BCL11 transcription factor B; minus strand). Cytogenetic location: 14q32.2.
Variant type: single nucleotide variant.
Coding change: c.1711G>A on transcript NM_138576.4 (MANE Select); coding-DNA position 1711, G replaced by A.
Protein change: p.Gly571Ser; replaces glycine 571 with serine.
Molecular consequence: missense variant.
Genome position (GRCh38, 1-based): chr14:99,175,125, C>T on the plus strand (G>A on the coding strand, the complement: BCL11B is on the minus strand). VCF-style: chr14-99175125-C-T. GRCh37 (hg19) VCF-style: chr14-99641462-C-T.
Other names: c.1711G>A (NM_138576.2); c.1708G>A, p.Gly570Ser (NM_001282237.2); c.1495G>A, p.Gly499Ser (NM_001282238.2); c.1498G>A, p.Gly500Ser (NM_022898.3); short protein forms G499S, G500S, G570S, G571S.
Identifiers: ClinVar variation 2644503 (VCV002644503.25), dbSNP rs754368274, ClinGen allele CA7339621.

ClinVar aggregate classification (germline): Uncertain significance. Review status: criteria provided, multiple submitters, no conflicts (2 of 4 stars). 2 submissions from 2 submitters: Uncertain significance (2). Last evaluated 2024-11-14.

Conditions:
Inborn genetic diseases. Identifiers: MedGen C0950123, MeSH D030342.

Allele frequency attached by ClinVar (database versions not stated): gnomAD exomes below 0.00001; ExAC 0.00001.
gnomAD v4.1: 1 of 1,589,462 alleles (0.000063%); highest among the groups gnomAD compares: South Asian, 0.0011%; no homozygotes.

Submissions (2):

Ambry Genetics
Classification: Uncertain significance for Inborn genetic diseases. Last evaluated: 2024-11-14. Review status: criteria provided, single submitter. Criteria: Ambry Variant Classification Scheme 2023. Collection method: clinical testing. Allele origin: germline.

CeGaT Center for Human Genetics Tuebingen
Classification: Uncertain significance. Last evaluated: 2022-11-01. Review status: criteria provided, single submitter. Criteria: CeGaT Center For Human Genetics Tuebingen Variant Classification Criteria Version 2. Collection method: clinical testing. Allele origin: germline. Affected: yes. Observed: 1 variant allele.
Comment: BCL11B: PM2, PP2